The following is an entry in ClinVar:

ClinVar aggregate classification (germline): Uncertain significance (1 of 4 stars; one submission).

Conditions:
Wilson disease (WND). Also called: Wilson's disease. Identifiers: Orphanet 905, MedGen C0019202, MONDO:0010200, OMIM 277900. Disease mechanism: loss of function.

Submission:

All of Us Research Program, National Institutes of Health
Classification: Uncertain significance for Wilson disease. Last evaluated: 2023-06-26. Review status: criteria provided, single submitter. Criteria: ACMG Guidelines, 2015. Collection method: clinical testing. Allele origin: germline. Inheritance: Autosomal recessive inheritance. Observed: 1 variant allele, 1 heterozygote.
Comment: This missense variant replaces alanine with aspartic acid at codon 215 of the ATP7B protein. Computational prediction suggests that this variant may not impact protein structure and function (internally defined REVEL score threshold <= 0.5, PMID: 27666373). To our knowledge, functional studies have not been reported for this variant. This variant has not been reported in individuals affected with ATP7B-related disorders in the literature. This variant has not been identified in the general population by the Genome Aggregation Database (gnomAD). The available evidence is insufficient to determine the role of this variant in disease conclusively. Therefore, this variant is classified as a Variant of Uncertain Significance.

This study involves interpretation of variants in research participants for the purpose of population health screening. Participant phenotype was not available at the time of variant classification. Additional details can be found in publication PMID: 35346344, PMCID: PMC8962531

NM_000053.4(ATP7B):c.644C>A (p.Ala215Asp)

Gene: ATP7B (ATPase copper transporting beta; minus strand). Cytogenetic location: 13q14.3.
Variant type: single nucleotide variant.
Coding change: c.644C>A on transcript NM_000053.4 (MANE Select); coding-DNA position 644, C replaced by A.
Protein change: p.Ala215Asp; replaces alanine 215 with aspartic acid.
Molecular consequence: missense variant.
Genome position (GRCh38, 1-based): chr13:51,974,576, G>T on the plus strand (C>A on the coding strand, the complement: ATP7B is on the minus strand). VCF-style: chr13-51974576-G-T. GRCh37 (hg19) VCF-style: chr13-52548712-G-T.
Other names: c.644C>A, p.Ala215Asp (NM_001005918.3, NM_001406519.1, NM_001406520.1 and 30 more transcripts); c.548C>A, p.Ala183Asp (NM_001406518.1, NM_001406539.1, NM_001406543.1 and 4 more transcripts); short protein forms A183D, A215D.
Identifiers: ClinVar variation 3071873 (VCV003071873.1), dbSNP rs964410322, ClinGen allele CA388042132.